The following is an entry in ClinVar:

ClinVar aggregate classification (germline): Benign/Likely benign. Review status: criteria provided, multiple submitters, no conflicts (2 of 4 stars). 3 submissions from 3 submitters: Benign (1); Likely benign (2). Last evaluated 2025-06-17.

Conditions:
Inborn genetic diseases. Identifiers: MedGen C0950123, MeSH D030342.

Allele frequency attached by ClinVar (database versions not stated): ExAC 0.00006; ESP Exome Variant Server 0.00019; 1000 Genomes Project 30x 0.00021; 1000 Genomes Project 0.00026.

Submissions (3):

Labcorp Genetics (formerly Invitae), Labcorp
Classification: Benign. Last evaluated: 2025-06-17. Review status: criteria provided, single submitter. Criteria: Invitae Variant Classification Sherloc (09022015). Collection method: clinical testing. Allele origin: germline.

Ambry Genetics
Classification: Likely benign for Inborn genetic diseases. Last evaluated: 2025-01-26. Review status: criteria provided, single submitter. Criteria: Ambry Variant Classification Scheme 2023. Collection method: clinical testing. Allele origin: germline.

CeGaT Center for Human Genetics Tuebingen
Classification: Likely benign. Last evaluated: 2023-04-01. Review status: criteria provided, single submitter. Criteria: CeGaT Center For Human Genetics Tuebingen Variant Classification Criteria Version 2. Collection method: clinical testing. Allele origin: germline. Affected: yes. Observed: 2 variant alleles.
Comment: ATP6AP1: BP4, BP7, BS2

NM_001183.6(ATP6AP1):c.669G>A (p.Ala223=)

Gene: ATP6AP1 (ATPase H+ transporting accessory protein 1; plus strand). Cytogenetic location: Xq28.
Variant type: single nucleotide variant.
Coding change: c.669G>A on transcript NM_001183.6 (MANE Select); coding-DNA position 669, G replaced by A.
Protein change: p.Ala223=; no amino-acid change (alanine 223 retained).
Molecular consequence: synonymous variant.
Genome position (GRCh38, 1-based): chrX:154,433,705, G>A. VCF-style: chrX-154433705-G-A. GRCh37 (hg19) VCF-style: chrX-153662051-G-A.
Other names: c.669G>A (NM_001183.4).
Identifiers: ClinVar variation 2661809 (VCV002661809.28), dbSNP rs150353253, ClinGen allele CA10562679.
Genomic context (GRCh38, chrX:154,433,705, plus strand): 5'-CGGGCAGGTCCTGAGCACACTCAAGTCCGAAGATGTCCCATACACAGCGGCCCTCACAGC[G>A]GTCCGCCCTTCCAGGGTATGTGCCCTTCCAGCAGGGGCTCTGGGGCGTGCAGGGAGAGGC-3'
Protein context (NP_001174.2, residues 213-233): EDVPYTAALT[Ala223=]VRPSRVARDV